The following is an entry in ClinVar:

ClinVar aggregate classification (germline): Likely benign (0 of 4 stars; one submission).

Conditions:
NXNL1-related disorder. Also called: NXNL1-related condition.

Allele frequency attached by ClinVar (database versions not stated): TOPMed below 0.00001; gnomAD exomes 0.00001; gnomAD 0.00002; ExAC 0.00003.
gnomAD v4.1: 21 of 1,597,430 alleles (0.0013%); highest among the groups gnomAD compares: Middle Eastern, 0.016%; 1 homozygote.

Submission:

PreventionGenetics, part of Exact Sciences
Classification: Likely benign for NXNL1-related condition. Last evaluated: 2019-03-01. Review status: no assertion criteria provided. Collection method: clinical testing. Allele origin: germline.
Comment: This variant is classified as likely benign based on ACMG/AMP sequence variant interpretation guidelines (Richards et al. 2015 PMID: 25741868, with internal and published modifications).

NM_138454.2(NXNL1):c.327-4G>A

Gene: NXNL1 (nucleoredoxin like 1; minus strand). Cytogenetic location: 19p13.11.
Variant type: single nucleotide variant.
Coding change: c.327-4G>A on transcript NM_138454.2 (MANE Select); 4 bases into the intron before coding-DNA position 327, G replaced by A.
Molecular consequence: intron variant.
Genome position (GRCh38, 1-based): chr19:17,455,963, C>T on the plus strand (G>A on the coding strand, the complement: NXNL1 is on the minus strand). VCF-style: chr19-17455963-C-T. GRCh37 (hg19) VCF-style: chr19-17566772-C-T.
Identifiers: ClinVar variation 3046487 (VCV003046487.2), dbSNP rs770348815, ClinGen allele CA9294920.